The following is an entry in ClinVar:

NM_018677.4(ACSS2):c.542C>T (p.Ala181Val)

Gene: ACSS2 (acyl-CoA synthetase short chain family member 2; plus strand). Cytogenetic location: 20q11.22.
Variant type: single nucleotide variant.
Coding change: c.542C>T on transcript NM_018677.4 (MANE Select); coding-DNA position 542, C replaced by T.
Protein change: p.Ala181Val; replaces alanine 181 with valine.
Molecular consequence: missense variant.
Genome position (GRCh38, 1-based): chr20:34,913,468, C>T. VCF-style: chr20-34913468-C-T. GRCh37 (hg19) VCF-style: chr20-33501271-C-T.
Other names: c.542C>T, p.Ala181Val (NM_001076552.3); c.257C>T, p.Ala86Val (NM_001242393.2); short protein forms A181V, A86V.
Identifiers: ClinVar variation 3141008 (VCV003141008.2), dbSNP rs112012777, ClinGen allele CA9825240.
Genomic context (GRCh38, chr20:34,913,468, plus strand): 5'-ACCGAGTGGCCATCTACATGCCTATGATCCCAGAGCTTGTGGTGGCCATGCTGGCATGTG[C>T]CCGCATTGGGGCTTTGCACTCCATTGTGGTAGGAGTTTGGGCTGGTGAAAAGGGGCAGGC-3'
Protein context (NP_061147.1, residues 171-191): PELVVAMLAC[Ala181Val]RIGALHSIVF

ClinVar aggregate classification (germline): Uncertain significance. Review status: criteria provided, single submitter (1 of 4 stars). 2 submissions from 2 submitters: Uncertain significance (1). 1 of the submissions does not count toward it. Last evaluated 2021-06-11.

Conditions:
ACSS2-related disorder. Also called: ACSS2-related condition.

Allele frequency attached by ClinVar (database versions not stated): 1000 Genomes Project 30x 0.00016; ExAC 0.00068; gnomAD 0.00087; TOPMed 0.00094; ESP Exome Variant Server 0.00131; gnomAD exomes 0.00191.

Submissions (2):

Ambry Genetics
Classification: Uncertain significance. Last evaluated: 2021-06-11. Review status: criteria provided, single submitter. Criteria: Ambry Variant Classification Scheme 2023. Collection method: clinical testing. Allele origin: germline.

PreventionGenetics, part of Exact Sciences
Classification: Likely benign for ACSS2-related condition. Last evaluated: 2024-05-28. Review status: no assertion criteria provided. Collection method: clinical testing. Allele origin: germline. Not counted in ClinVar's aggregate classification.
Comment: This variant is classified as likely benign based on ACMG/AMP sequence variant interpretation guidelines (Richards et al. 2015 PMID: 25741868, with internal and published modifications).